The following is an entry in ClinVar:

NM_001349253.2(SCN11A):c.1061G>A (p.Arg354Gln)

Gene: SCN11A (sodium voltage-gated channel alpha subunit 11; minus strand). Cytogenetic location: 3p22.2.
Variant type: single nucleotide variant.
Coding change: c.1061G>A on transcript NM_001349253.2 (MANE Select); coding-DNA position 1061, G replaced by A.
Protein change: p.Arg354Gln; replaces arginine 354 with glutamine.
Molecular consequence: missense variant.
Genome position (GRCh38, 1-based): chr3:38,910,106, C>T on the plus strand (G>A on the coding strand, the complement: SCN11A is on the minus strand). VCF-style: chr3-38910106-C-T. GRCh37 (hg19) VCF-style: chr3-38951597-C-T.
Other names: c.1061G>A, p.Arg354Gln (NM_014139.3); c.1061G>A (NM_001349253.1); short protein forms R354Q.
Identifiers: ClinVar variation 1044540 (VCV001044540.9), dbSNP rs1380372157, ClinGen allele CA352168501.

ClinVar aggregate classification (germline): Uncertain significance. Review status: criteria provided, multiple submitters, no conflicts (2 of 4 stars). 4 submissions from 4 submitters: Uncertain significance (4). Last evaluated 2025-09-27.

Conditions:
Inborn genetic diseases. Identifiers: MedGen C0950123, MeSH D030342.
Familial episodic pain syndrome with predominantly lower limb involvement. Also called: Episodic pain syndrome, familial, 3. Identifiers: Orphanet 391384, Orphanet 391392, MedGen C3809899, MONDO:0014247, OMIM 615552.
Hereditary sensory and autonomic neuropathy type 7. Also called: HSAN VII; Neuropathy, hereditary sensory and autonomic, type VII. Identifiers: Orphanet 391397, MedGen C3809882, MONDO:0014244, OMIM 615548.

Allele frequency attached by ClinVar (database versions not stated): gnomAD exomes below 0.00001 and 0.00001; TOPMed 0.00002; gnomAD 0.00003.
gnomAD v4.1: 14 of 1,613,532 alleles (0.00087%); highest among the groups gnomAD compares: Non-Finnish European, 0.00093%; no homozygotes.

Submissions (4):

Labcorp Genetics (formerly Invitae), Labcorp
Classification: Uncertain significance for Familial episodic pain syndrome with predominantly lower limb involvement; Hereditary sensory and autonomic neuropathy type 7. Last evaluated: 2025-09-27. Review status: criteria provided, single submitter. Criteria: Invitae Variant Classification Sherloc (09022015). Collection method: clinical testing. Allele origin: germline.
Comment: This sequence change replaces arginine, which is basic and polar, with glutamine, which is neutral and polar, at codon 354 of the SCN11A protein (p.Arg354Gln). This variant is present in population databases (no rsID available, gnomAD 0.002%). This variant has not been reported in the literature in individuals affected with SCN11A-related conditions. ClinVar contains an entry for this variant (Variation ID: 1044540). Invitae Evidence Modeling of protein sequence and biophysical properties (such as structural, functional, and spatial information, amino acid conservation, physicochemical variation, residue mobility, and thermodynamic stability) indicates that this missense variant is not expected to disrupt SCN11A protein function with a negative predictive value of 80%. Algorithms developed to predict the effect of sequence changes on RNA splicing suggest that this variant may disrupt the consensus splice site. In summary, the available evidence is currently insufficient to determine the role of this variant in disease. Therefore, it has been classified as a Variant of Uncertain Significance.

Women's Health and Genetics/Laboratory Corporation of America, LabCorp
Classification: Uncertain significance. Last evaluated: 2025-03-17. Review status: criteria provided, single submitter. Criteria: LabCorp Variant Classification Summary - May 2015. Collection method: clinical testing. Allele origin: germline.
Comment: Variant summary: SCN11A c.1061G>A (p.Arg354Gln) results in a conservative amino acid change in the encoded protein sequence. Three of five in-silico tools predict a damaging effect of the variant on protein function. The variant allele was found at a frequency of 4e-06 in 250998 control chromosomes. The available data on variant occurrences in the general population are insufficient to allow any conclusion about variant significance. To our knowledge, no occurrence of c.1061G>A in individuals affected with Familial episodic pain syndrome with predominantly lower limb involvement and no experimental evidence demonstrating its impact on protein function have been reported. ClinVar contains an entry for this variant (Variation ID: 1044540). Based on the evidence outlined above, the variant was classified as uncertain significance.

Victorian Clinical Genetics Services, Murdoch Childrens Research Institute
Classification: Uncertain significance for Familial episodic pain syndrome with predominantly lower limb involvement. Last evaluated: 2022-06-24. Review status: criteria provided, single submitter. Criteria: ACMG Guidelines, 2015. Collection method: clinical testing. Allele origin: germline. Inheritance: Autosomal dominant inheritance. Affected: yes.
Comment: Based on the classification scheme VCGS_Germline_v1.3.4, this variant is classified as VUS-3C. Following criteria are met: 0101 - Gain of function is a known mechanism of disease in this gene and is associated with familial episodic pain syndrome 3 (MIM#615552) and hereditary sensory and autonomic neuropathy, type VII (MIM#615548) (PMID: 25791876). (I) 0107 - This gene is associated with autosomal dominant disease. (I) 0200 - Variant is predicted to result in a missense amino acid change from arginine to glutamine. (I) 0251 - This variant is heterozygous. (I) 0302 - Variant is present in gnomAD (v3) <0.001 for a dominant condition (4 heterozygotes, 0 homozygotes). (SP) 0309 - An alternative amino acid change at the same position has been observed in gnomAD (v2) (5 heterozygotes, 0 homozygotes). (I) 0502 - Missense variant with conflicting in silico predictions and highly conserved with a minor amino acid change. (I) 0600 - Variant is located in the annotated Ion transport domain (DECIPHER). (I) 0704 - Another missense variant comparable to the one identified in this case has limited previous evidence for pathogenicity. An alternative change to a tryptophan has been reported as likely pathogenic in an individual with pure small fibre neuropathy (PMID: 30554136). (SP) 0809 - Previous evidence of pathogenicity for this variant is inconclusive. This variant has been reported once as VUS in ClinVar. (I) 0904 - Non-segregation of this variant with the phenotype under investigation has been clearly demonstrated. (SB) 1007 - No published functional evidence has been identified for this variant. (I) Legend: (SP) - Supporting pathogenic, (I) - Information, (SB) - Supporting benign

Ambry Genetics
Classification: Uncertain significance for Inborn genetic diseases. Last evaluated: 2022-01-15. Review status: criteria provided, single submitter. Criteria: Ambry Variant Classification Scheme 2023. Collection method: clinical testing. Allele origin: germline.
Comment: The p.R354Q variant (also known as c.1061G>A), located in coding exon 8 of the SCN11A gene, results from a G to A substitution at nucleotide position 1061. The arginine at codon 354 is replaced by glutamine, an amino acid with highly similar properties. This amino acid position is conserved. In addition, the in silico prediction for this alteration is inconclusive. Since supporting evidence is limited at this time, the clinical significance of this alteration remains unclear.

Literature cited by the submitters: PubMed 25791876 (cited by Victorian Clinical Genetics Services, Murdoch Childrens Research Institute); PubMed 30554136 (cited by Victorian Clinical Genetics Services, Murdoch Childrens Research Institute).